The following is an entry in ClinVar:

ClinVar aggregate classification (germline): Likely pathogenic (1 of 4 stars; one submission).

Conditions:
PMM2-congenital disorder of glycosylation. Also called: PMM2-CDG; CDG Ia; JAEKEN SYNDROME; PHOSPHOMANNOMUTASE 2 DEFICIENCY; CARBOHYDRATE-DEFICIENT GLYCOPROTEIN SYNDROME, TYPE Ia; Congenital disorder of glycosylation, type Ia. Identifiers: Orphanet 79318, MedGen C0349653, MONDO:0008907, OMIM 212065.

Submission:

Labcorp Genetics (formerly Invitae), Labcorp
Classification: Likely pathogenic for PMM2-congenital disorder of glycosylation. Last evaluated: 2022-08-05. Review status: criteria provided, single submitter. Criteria: Invitae Variant Classification Sherloc (09022015). Collection method: clinical testing. Allele origin: germline.
Comment: In summary, the currently available evidence indicates that the variant is pathogenic, but additional data are needed to prove that conclusively. Therefore, this variant has been classified as Likely Pathogenic. This variant has not been reported in the literature in individuals affected with PMM2-related conditions. This variant results in a copy number gain of the genomic region encompassing exon(s) 3 of the PMM2 gene. While the exact position of this variant cannot be determined from the data, sub-genic copy number gains are generally in tandem (PMID: 25640679). This variant is predicted to be out-of-frame, and may result in an absent or disrupted protein product. Loss-of-function variants in PMM2 are known to be pathogenic (PMID: 19862844).

Literature cited by the submitters: PubMed 25640679; PubMed 19862844.

NC_000016.9:g.(?_8898599)_(8898710_?)dup

Gene: PMM2 (phosphomannomutase 2; plus strand). Cytogenetic location: 16p13.2.
Variant type: Duplication.
Identifiers: ClinVar variation 2422842 (VCV002422842.4).